The following is an entry in ClinVar:

NM_000261.2(MYOC):c.237C>G (p.Ser79Arg)

Gene: MYOC (myocilin; minus strand). Cytogenetic location: 1q24.3.
Variant type: single nucleotide variant.
Coding change: c.237C>G on transcript NM_000261.2 (MANE Select); coding-DNA position 237, C replaced by G.
Protein change: p.Ser79Arg; replaces serine 79 with arginine.
Molecular consequence: missense variant.
Genome position (GRCh38, 1-based): chr1:171,652,375, G>C on the plus strand (C>G on the coding strand, the complement: MYOC is on the minus strand). VCF-style: chr1-171652375-G-C. GRCh37 (hg19) VCF-style: chr1-171621515-G-C.
Other names: short protein forms S79R.
Identifiers: ClinVar variation 2849134 (VCV002849134.3), dbSNP rs2527873887, ClinGen allele CA343719026.
Genomic context (GRCh38, chr1:171,652,375, plus strand): 5'-GAGGAGGCTCTCCAGGGAGCTGAGTCGAGCTTTGGTGGCCTCCAGGTCTAAGCGTTGGGT[G>C]CTGCTGTCTCTCTGTAAGTTATGGATGACTGACATGGCCTGGCTCTGCTCTGGGCAGCTG-3'
Protein context (NP_000252.1, residues 69-89): SVIHNLQRDS[Ser79Arg]TQRLDLEATK

ClinVar aggregate classification (germline): Uncertain significance (1 of 4 stars; one submission).

Submission:

Labcorp Genetics (formerly Invitae), Labcorp
Classification: Uncertain significance. Last evaluated: 2024-11-11. Review status: criteria provided, single submitter. Criteria: Invitae Variant Classification Sherloc (09022015). Collection method: clinical testing. Allele origin: germline.
Comment: This sequence change replaces serine, which is neutral and polar, with arginine, which is basic and polar, at codon 79 of the MYOC protein (p.Ser79Arg). This variant is not present in population databases (gnomAD no frequency). This variant has not been reported in the literature in individuals affected with MYOC-related conditions. ClinVar contains an entry for this variant (Variation ID: 2849134). Invitae Evidence Modeling of protein sequence and biophysical properties (such as structural, functional, and spatial information, amino acid conservation, physicochemical variation, residue mobility, and thermodynamic stability) indicates that this missense variant is not expected to disrupt MYOC protein function with a negative predictive value of 95%. In summary, the available evidence is currently insufficient to determine the role of this variant in disease. Therefore, it has been classified as a Variant of Uncertain Significance.